The following is an entry in ClinVar:

ClinVar aggregate classification (germline): Likely benign. Review status: criteria provided, multiple submitters, no conflicts (2 of 4 stars). 7 submissions from 7 submitters: Likely benign (5). 2 of the submissions do not count toward it. Last evaluated 2025-11-24.

Allele frequency attached by ClinVar (database versions not stated): 1000 Genomes Project 0.00040; gnomAD exomes 0.00040 and 0.00049; gnomAD 0.00042 and 0.00045; ExAC 0.00044; TOPMed 0.00049; ESP Exome Variant Server 0.00054; 1000 Genomes Project 30x 0.00062.
gnomAD v4.1: 668 of 1,612,554 alleles (0.041%); highest among the groups gnomAD compares: Middle Eastern, 0.31%; 1 homozygote.

Submissions (7):

Labcorp Genetics (formerly Invitae), Labcorp
Classification: Likely benign. Last evaluated: 2025-11-24. Review status: criteria provided, single submitter. Criteria: Invitae Variant Classification Sherloc (09022015). Collection method: clinical testing. Allele origin: germline.

Blueprint Genetics
Classification: Likely benign. Last evaluated: 2024-10-18. Review status: criteria provided, single submitter. Criteria: ACMG Guidelines, 2015. Collection method: clinical testing. Allele origin: germline.

CeGaT Center for Human Genetics Tuebingen
Classification: Likely benign. Last evaluated: 2023-03-01. Review status: criteria provided, single submitter. Criteria: CeGaT Center For Human Genetics Tuebingen Variant Classification Criteria Version 2. Collection method: clinical testing. Allele origin: germline. Affected: yes. Observed: 1 variant allele.
Comment: CRB2: BP4, BP7

Genetic Services Laboratory, University of Chicago
Classification: Likely benign. Last evaluated: 2020-02-24. Review status: criteria provided, single submitter. Criteria: ACMG Guidelines, 2015. Collection method: clinical testing. Allele origin: germline. Affected: no.

Breakthrough Genomics
Classification: Likely benign. Review status: criteria provided, single submitter. Criteria: ACMG Guidelines, 2015. Collection method: not provided. Allele origin: germline. Inheritance: Autosomal recessive inheritance. Affected: yes.

Clinical Genetics DNA and cytogenetics Diagnostics Lab, Erasmus MC, Erasmus Medical Center
Classification: Likely benign. Review status: no assertion criteria provided. Collection method: clinical testing. Allele origin: germline. Affected: yes. Study: VKGL Data-share Consensus. Not counted in ClinVar's aggregate classification.

Genome Diagnostics Laboratory, University Medical Center Utrecht
Classification: Likely benign. Review status: no assertion criteria provided. Collection method: clinical testing. Allele origin: germline. Affected: yes. Study: VKGL Data-share Consensus. Not counted in ClinVar's aggregate classification.

NM_173689.7(CRB2):c.2547C>T (p.Pro849=)

Gene: CRB2 (crumbs cell polarity complex component 2; plus strand). Cytogenetic location: 9q33.3.
Variant type: single nucleotide variant.
Coding change: c.2547C>T on transcript NM_173689.7 (MANE Select); coding-DNA position 2547, C replaced by T.
Protein change: p.Pro849=; no amino-acid change (proline 849 retained).
Molecular consequence: synonymous variant. On other transcripts: non-coding transcript variant (1).
Genome position (GRCh38, 1-based): chr9:123,372,287, C>T. VCF-style: chr9-123372287-C-T. GRCh37 (hg19) VCF-style: chr9-126134566-C-T.
Identifiers: ClinVar variation 732277 (VCV000732277.45), dbSNP rs201242880, ClinGen allele CA5232246.
Genomic context (GRCh38, chr9:123,372,287, plus strand): 5'-CCACTGTACCTGCCCTGCCAATTTCACGGGGCCTACGTGTGCCCAGCAGCTGTGGTGTCC[C>T]GGCCAGCCCTGTCTCCCACCTGCCACGTGTGAGGAGGTCCCTGATGGCTTTGTGTGTGAG-3'
Protein context (NP_775960.4, residues 839-859): GPTCAQQLWC[Pro849=]GQPCLPPATC